The following is an entry in ClinVar:

NM_005334.3(HCFC1):c.3779G>T (p.Ser1260Ile)

Gene: HCFC1 (host cell factor C1; minus strand). Cytogenetic location: Xq28.
Variant type: single nucleotide variant.
Coding change: c.3779G>T on transcript NM_005334.3 (MANE Select); coding-DNA position 3779, G replaced by T.
Protein change: p.Ser1260Ile; replaces serine 1260 with isoleucine.
Molecular consequence: missense variant.
Genome position (GRCh38, 1-based): chrX:153,954,620, C>A on the plus strand (G>T on the coding strand, the complement: HCFC1 is on the minus strand). VCF-style: chrX-153954620-C-A. GRCh37 (hg19) VCF-style: chrX-153220071-C-A.
Other names: short protein forms S1260I.
Identifiers: ClinVar variation 1063377 (VCV001063377.9), dbSNP rs2065352881, ClinGen allele CA415119421.

ClinVar aggregate classification (germline): Uncertain significance (1 of 4 stars; one submission).

Conditions:
Methylmalonic acidemia with homocystinuria, type cblX (MAHCX). Also called: INTELLECTUAL DEVELOPMENTAL DISORDER, X-LINKED 3. Identifiers: Orphanet 369962, MedGen C0796208, MONDO:0010657, OMIM 309541.

Submission:

Labcorp Genetics (formerly Invitae), Labcorp
Classification: Uncertain significance for Methylmalonic acidemia with homocystinuria, type cblX. Last evaluated: 2022-10-25. Review status: criteria provided, single submitter. Criteria: Invitae Variant Classification Sherloc (09022015). Collection method: clinical testing. Allele origin: germline.
Comment: Algorithms developed to predict the effect of missense changes on protein structure and function (SIFT, PolyPhen-2, Align-GVGD) all suggest that this variant is likely to be tolerated. ClinVar contains an entry for this variant (Variation ID: 1063377). This variant has not been reported in the literature in individuals affected with HCFC1-related conditions. This variant is not present in population databases (gnomAD no frequency). This sequence change replaces serine, which is neutral and polar, with isoleucine, which is neutral and non-polar, at codon 1260 of the HCFC1 protein (p.Ser1260Ile). In summary, the available evidence is currently insufficient to determine the role of this variant in disease. Therefore, it has been classified as a Variant of Uncertain Significance.